The following is an entry in ClinVar:

ClinVar aggregate classification (germline): Benign. Review status: criteria provided, multiple submitters, no conflicts (2 of 4 stars). 3 submissions from 2 submitters: Benign (3). Last evaluated 2018-01-12.

Conditions:
Hypertrophic cardiomyopathy 6. Identifiers: MedGen C1833236, MONDO:0010946, OMIM 600858.
Wolff-Parkinson-White pattern. Also called: WPW SYNDROME; Auriculoventricular accessory pathway syndrome; False bundle branch block syndrome; Anomalous ventricular excitation syndrome. Identifiers: MedGen C0043202, MONDO:0008685, OMIM 194200, HP:0001716.

Allele frequency attached by ClinVar (database versions not stated): gnomAD exomes 0.37500; TOPMed 0.52811; 1000 Genomes Project 30x 0.54013; gnomAD 0.54155 and 0.55102; 1000 Genomes Project 0.55391.
gnomAD v4.1: 80,418 of 146,038 alleles (55%); highest among the groups gnomAD compares: East Asian, 72%; 23,703 homozygotes.

Submissions (3):

Illumina Laboratory Services, Illumina
Classification: Benign for Wolff-Parkinson-White pattern. Last evaluated: 2018-01-12. Review status: criteria provided, single submitter. Criteria: ICSL Variant Classification Criteria 13 December 2019. Collection method: clinical testing. Allele origin: germline.
Comment: This variant was observed in the ICSL laboratory as part of a predisposition screen in an ostensibly healthy population. It had not been previously curated by ICSL or reported in the Human Gene Mutation Database (HGMD: prior to June 1st, 2018), and was therefore a candidate for classification through an automated scoring system. Utilizing variant allele frequency, disease prevalence and penetrance estimates, and inheritance mode, an automated score was calculated to assess if this variant is too frequent to cause the disease. Based on the score and internal cut-off values, a variant classified as benign is not then subjected to further curation. The score for this variant resulted in a classification of benign for this disease.

Illumina Laboratory Services, Illumina
Classification: Benign for Hypertrophic cardiomyopathy 6. Last evaluated: 2018-01-12. Review status: criteria provided, single submitter. Criteria: ICSL Variant Classification Criteria 13 December 2019. Collection method: clinical testing. Allele origin: germline.
Comment: the same text as in the submission from Illumina Laboratory Services, Illumina above.

Breakthrough Genomics
Classification: Benign. Review status: criteria provided, single submitter. Criteria: ACMG Guidelines, 2015. Collection method: not provided. Allele origin: germline. Inheritance: Autosomal dominant inheritance. Affected: yes.

NM_016203.4(PRKAG2):c.*1061G>A

Gene: PRKAG2 (protein kinase AMP-activated non-catalytic subunit gamma 2; minus strand). Cytogenetic location: 7q36.1.
Variant type: single nucleotide variant.
Coding change: c.*1061G>A on transcript NM_016203.4 (MANE Select); 1061 bases downstream of the stop codon, G replaced by A.
Molecular consequence: 3 prime UTR variant.
Genome position (GRCh38, 1-based): chr7:151,556,140, C>T on the plus strand (G>A on the coding strand, the complement: PRKAG2 is on the minus strand). VCF-style: chr7-151556140-C-T. GRCh37 (hg19) VCF-style: chr7-151253226-C-T.
Other names: c.*1061G>A (NM_001040633.2, NM_001304527.2, NM_001304531.2 and 2 more transcripts).
Identifiers: ClinVar variation 359320 (VCV000359320.6), dbSNP rs7429, ClinGen allele CA10623455.